The following is an entry in ClinVar:

NM_000307.5(POU3F4):c.231_244del (p.Asp77fs)

Gene: POU3F4 (POU class 3 homeobox 4; plus strand). Cytogenetic location: Xq21.1.
Variant type: Deletion.
Coding change: c.231_244del on transcript NM_000307.5 (MANE Select); coding-DNA positions 231 to 244, 14 bases deleted (CCAGCAGGACGTGA).
Protein change: p.Asp77fs; shifts the reading frame from aspartic acid 77.
Molecular consequence: frameshift variant.
Genome position (GRCh38, 1-based): chrX:83,508,555-83,508,568, CCAGCAGGACGTGA deleted; deleting any 14 consecutive bases within chrX:83,508,553-83,508,568 gives the same sequence; the c. name uses the placement nearest the transcript's 3' end. VCF-style (leftmost placement, unchanged base first): chrX-83508552-GGACCAGCAGGACGT-G. GRCh37 (hg19) VCF-style: chrX-82763560-GGACCAGCAGGACGT-G.
Other names: short protein forms D77fs.
Identifiers: ClinVar variation 3601651 (VCV003601651.1).

ClinVar aggregate classification (germline): Pathogenic (1 of 4 stars; one submission).

Conditions:
X-linked mixed hearing loss with perilymphatic gusher. Also called: Deafness, X-linked 2; NANCE DEAFNESS; PERILYMPHATIC GUSHER-DEAFNESS SYNDROME; SENSORINEURAL DEAFNESS, PROFOUND, WITH OR WITHOUT A CONDUCTIVE COMPONENT, ASSOCIATED WITH A UNIQUE DEVELOPMENTAL ABNORMALITY OF THE EAR; Gusher syndrome. Identifiers: Orphanet 383, MedGen C1844678, MONDO:0010576, OMIM 304400.

Submission:

Institute of Rare Diseases, West China Hospital, Sichuan University
Classification: Pathogenic for X-linked mixed hearing loss with perilymphatic gusher. Last evaluated: 2025-01-09. Review status: criteria provided, single submitter. Criteria: ClinGen HL ACMG Specifications v1. Collection method: research. Allele origin: germline. Affected: yes.
Comment: PVS1;PM3_Supporting;PM2_Supporting